The following is an entry in ClinVar:

ClinVar aggregate classification (germline): Pathogenic (1 of 4 stars; one submission).

Conditions:
Epilepsy, familial focal, with variable foci 3 (FFEVF3). Identifiers: MedGen C4310708, MONDO:0014925, OMIM 617118.

Submission:

Labcorp Genetics (formerly Invitae), Labcorp
Classification: Pathogenic for Epilepsy, familial focal, with variable foci 3. Last evaluated: 2022-06-29. Review status: criteria provided, single submitter. Criteria: Invitae Variant Classification Sherloc (09022015). Collection method: clinical testing. Allele origin: germline.
Comment: This variant is a gross deletion of the genomic region encompassing exon(s) 1-2 of the NPRL3 gene, which includes the initiator codon. This deletion extends beyond the assayed region for this gene and therefore may encompass additional genes. It is expected to result in an absent or disrupted protein product. Loss-of-function variants in NPRL3 are known to be pathogenic (PMID: 26285051, 26505888). This variant has not been reported in the literature in individuals affected with NPRL3-related conditions. For these reasons, this variant has been classified as Pathogenic.

Literature cited by the submitters: PubMed 26285051; PubMed 26505888.

NC_000016.9:g.(?_188129)_(193701_?)del

Gene: NPRL3 (NPR3 like, GATOR1 complex subunit; minus strand). Cytogenetic location: 16p13.3.
Variant type: Deletion.
Identifiers: ClinVar variation 2423599 (VCV002423599.4).